The following is an entry in ClinVar:

ClinVar aggregate classification (germline): Uncertain significance (1 of 4 stars; one submission).

Allele frequency attached by ClinVar (database versions not stated): gnomAD 0.00002; ExAC 0.00004; TOPMed 0.00004.
gnomAD v4.1: 41 of 1,613,956 alleles (0.0025%); highest among the groups gnomAD compares: Middle Eastern, 0.033%; 2 homozygotes.

Submission:

Labcorp Genetics (formerly Invitae), Labcorp
Classification: Uncertain significance. Last evaluated: 2022-08-21. Review status: criteria provided, single submitter. Criteria: Invitae Variant Classification Sherloc (09022015). Collection method: clinical testing. Allele origin: germline.
Comment: This sequence change replaces glutamic acid, which is acidic and polar, with lysine, which is basic and polar, at codon 813 of the DUOX2 protein (p.Glu813Lys). This variant is present in population databases (rs773481995, gnomAD 0.03%). This variant has not been reported in the literature in individuals affected with DUOX2-related conditions. Advanced modeling of protein sequence and biophysical properties (such as structural, functional, and spatial information, amino acid conservation, physicochemical variation, residue mobility, and thermodynamic stability) performed at Invitae indicates that this missense variant is not expected to disrupt DUOX2 protein function. In summary, the available evidence is currently insufficient to determine the role of this variant in disease. Therefore, it has been classified as a Variant of Uncertain Significance.

NM_001363711.2(DUOX2):c.2437G>A (p.Glu813Lys)

Gene: DUOX2 (dual oxidase 2; minus strand). Cytogenetic location: 15q21.1.
Variant type: single nucleotide variant.
Coding change: c.2437G>A on transcript NM_001363711.2 (MANE Select); coding-DNA position 2437, G replaced by A.
Protein change: p.Glu813Lys; replaces glutamic acid 813 with lysine.
Molecular consequence: missense variant.
Genome position (GRCh38, 1-based): chr15:45,104,263, C>T on the plus strand (G>A on the coding strand, the complement: DUOX2 is on the minus strand). VCF-style: chr15-45104263-C-T. GRCh37 (hg19) VCF-style: chr15-45396461-C-T.
Other names: c.2437G>A, p.Glu813Lys (NM_014080.5); short protein forms E813K.
Identifiers: ClinVar variation 2162252 (VCV002162252.1), dbSNP rs773481995, ClinGen allele CA7538249.